The following is an entry in ClinVar:

ClinVar aggregate classification (germline): Uncertain significance (1 of 4 stars; one submission).

Conditions:
Inborn genetic diseases. Identifiers: MedGen C0950123, MeSH D030342.

Submission:

Ambry Genetics
Classification: Uncertain significance for Inborn genetic diseases. Last evaluated: 2024-11-26. Review status: criteria provided, single submitter. Criteria: Ambry Variant Classification Scheme 2023. Collection method: clinical testing. Allele origin: germline.
Comment: The p.R378L variant (also known as c.1133G>T), located in coding exon 6 of the ETV6 gene, results from a G to T substitution at nucleotide position 1133. The arginine at codon 378 is replaced by leucine, an amino acid with dissimilar properties. This amino acid position is conserved. In addition, this alteration is predicted to be deleterious by in silico analysis. Based on the available evidence, the clinical significance of this variant remains unclear.

NM_001987.5(ETV6):c.1133G>T (p.Arg378Leu)

Genes: ETV6 (ETS variant transcription factor 6; plus strand), LOC126861452 (CDK7 strongly-dependent group 2 enhancer GRCh37_chr12:12037195-12038394; plus strand). Cytogenetic location: 12p13.2.
Variant type: single nucleotide variant.
Coding change: c.1133G>T on transcript NM_001987.5 (MANE Select); coding-DNA position 1133, G replaced by T.
Protein change: p.Arg378Leu; replaces arginine 378 with leucine.
Molecular consequence: missense variant. On other transcripts: intron variant (1).
Genome position (GRCh38, 1-based): chr12:11,884,568, G>T. VCF-style: chr12-11884568-G-T. GRCh37 (hg19) VCF-style: chr12-12037502-G-T.
Other names: c.1130G>T, p.Arg377Leu (NM_001413913.1); c.1106G>T, p.Arg369Leu (NM_001413914.1); c.869G>T, p.Arg290Leu (NM_001413915.1); c.1010-6373G>T (NM_001413917.1); short protein forms R290L, R377L, R378L, R369L.
Identifiers: ClinVar variation 3510624 (VCV003510624.1).